The following is an entry in ClinVar:

ClinVar aggregate classification (germline): Benign (1 of 4 stars; one submission).

Conditions:
Familial cancer of breast. Also called: Hereditary breast cancer; BREAST CANCER, FAMILIAL; hereditary breast carcinoma. Identifiers: Orphanet 227535, MedGen C0346153, MONDO:0016419, OMIM 114480. Disease mechanism: loss of function.

Submission:

Myriad Genetics, Inc.
Classification: Benign for Familial cancer of breast. Last evaluated: 2024-10-09. Review status: criteria provided, single submitter. Criteria: Myriad Autosomal Dominant, Autosomal Recessive and X-Linked Classification Criteria (2023). Collection method: clinical testing. Allele origin: unknown.
Comment: This variant is considered benign. This variant is a silent/synonymous amino acid change and it is not expected to impact splicing.

NM_007194.4(CHEK2):c.1631del (p.Leu543_Ter544insTer)

Gene: CHEK2 (checkpoint kinase 2; minus strand). Cytogenetic location: 22q12.1.
Variant type: Deletion.
Coding change: c.1631del on transcript NM_007194.4 (MANE Select); coding-DNA position 1631, one base deleted (G; older notation c.1631delG).
Protein change: p.Leu543_Ter544insTer.
Molecular consequence: frameshift variant.
Genome position (GRCh38, 1-based): chr22:28,687,898, C deleted on the plus strand (G on the coding strand, the reverse complement: CHEK2 is on the minus strand). VCF-style (leftmost placement, unchanged base first): chr22-28687897-TC-T. GRCh37 (hg19) VCF-style: chr22-29083885-TC-T.
Other names: c.1760delG, p.Ter587= (NM_001005735.3); c.968delG, p.Ter323= (NM_001257387.3); c.1430delG, p.Ter477= (NM_001349956.3); c.1544delG, p.Ter515= (NM_145862.3).
Identifiers: ClinVar variation 3773088 (VCV003773088.1).
Genomic context (GRCh38, chr22:28,687,897, plus strand): 5'-AGAAAAGAAAGATGACAGAGTGAAAGAAGGTACATTTCTTTCGTGTTCAAACCACGGAGT[TC>T]ACAACACAGCAGCACACACAGCTGGGCGCTTTGTGGTCTCGGCACCCTCGGCTTCCCCTT-3'